The following is an entry in ClinVar:

NM_000535.7(PMS2):c.931C>T (p.His311Tyr)

Gene: PMS2 (PMS1 homolog 2, mismatch repair system component; minus strand). Cytogenetic location: 7p22.1.
Variant type: single nucleotide variant.
Coding change: c.931C>T on transcript NM_000535.7 (MANE Select); coding-DNA position 931, C replaced by T.
Protein change: p.His311Tyr; replaces histidine 311 with tyrosine.
Molecular consequence: missense variant. On other transcripts: 5 prime UTR variant (2), non-coding transcript variant (1).
Genome position (GRCh38, 1-based): chr7:5,992,030, G>A on the plus strand (C>T on the coding strand, the complement: PMS2 is on the minus strand). VCF-style: chr7-5992030-G-A. GRCh37 (hg19) VCF-style: chr7-6031661-G-A.
Other names: c.526C>T, p.His176Tyr (NM_001322003.2, NM_001322004.2, NM_001322005.2 and 2 more transcripts); c.931C>T, p.His311Tyr (NM_001322006.2, NM_001322014.2); c.613C>T, p.His205Tyr (NM_001322007.2, NM_001322008.2); c.-3C>T (NM_001322011.2, NM_001322012.2); c.358C>T, p.His120Tyr (NM_001322013.2); c.622C>T, p.His208Tyr (NM_001322015.2); short protein forms H208Y, H205Y, H120Y, H176Y, H311Y.
Identifiers: ClinVar variation 1521697 (VCV001521697.10), dbSNP rs2128755904, ClinGen allele CA366743172.

ClinVar aggregate classification (germline): Uncertain significance. Review status: criteria provided, multiple submitters, no conflicts (2 of 4 stars). 3 submissions from 3 submitters: Uncertain significance (3). Last evaluated 2025-01-15.

Conditions:
Hereditary nonpolyposis colorectal neoplasms. Identifiers: MedGen C0009405, MeSH D003123.
Hereditary cancer-predisposing syndrome. Also called: Hereditary neoplastic syndrome; Hereditary Cancer Syndrome; Tumor predisposition; Neoplastic Syndromes, Hereditary. Identifiers: Orphanet 140162, MedGen C0027672, MeSH D009386, MONDO:0015356.
Lynch syndrome. Identifiers: Orphanet 144, MedGen C4552100, MONDO:0005835. Disease mechanism: loss of function.

Submissions (3):

Ambry Genetics
Classification: Uncertain significance for Hereditary cancer-predisposing syndrome. Last evaluated: 2025-01-15. Review status: criteria provided, single submitter. Criteria: Ambry Variant Classification Scheme 2023. Collection method: clinical testing. Allele origin: germline.
Comment: The p.H311Y variant (also known as c.931C>T), located in coding exon 9 of the PMS2 gene, results from a C to T substitution at nucleotide position 931. The histidine at codon 311 is replaced by tyrosine, an amino acid with similar properties. This variant was not seen in 732 breast cancer patients or 189 colorectal cancer patients but was detected in 1/490 cancer-free elderly controls in a Turkish population (Akcay IM et al. Int J Cancer, 2021 Jan;148:285-295). This amino acid position is highly conserved in available vertebrate species. In addition, this alteration is predicted to be deleterious by in silico analysis. Based on the available evidence, the clinical significance of this variant remains unclear.

Labcorp Genetics (formerly Invitae), Labcorp
Classification: Uncertain significance for Hereditary nonpolyposis colorectal neoplasms. Last evaluated: 2024-11-09. Review status: criteria provided, single submitter. Criteria: Invitae Variant Classification Sherloc (09022015). Collection method: clinical testing. Allele origin: germline.
Comment: This sequence change replaces histidine, which is basic and polar, with tyrosine, which is neutral and polar, at codon 311 of the PMS2 protein (p.His311Tyr). This variant is not present in population databases (gnomAD no frequency). This variant has not been reported in the literature in individuals affected with PMS2-related conditions. ClinVar contains an entry for this variant (Variation ID: 1521697). Invitae Evidence Modeling incorporating data from in vitro experimental studies (internal data) indicates that this missense variant is not expected to disrupt PMS2 function with a negative predictive value of 95%. In summary, the available evidence is currently insufficient to determine the role of this variant in disease. Therefore, it has been classified as a Variant of Uncertain Significance.

All of Us Research Program, National Institutes of Health
Classification: Uncertain significance for Lynch syndrome. Last evaluated: 2023-07-07. Review status: criteria provided, single submitter. Criteria: ACMG Guidelines, 2015. Collection method: clinical testing. Allele origin: germline. Inheritance: Autosomal dominant inheritance. Observed: 1 variant allele, 1 heterozygote.
Comment: This study involves interpretation of variants in research participants for the purpose of population health screening. Participant phenotype was not available at the time of variant classification. Additional details can be found in publication PMID: 35346344, PMCID: PMC8962531

Literature cited by the submitters: PubMed 32658311 (cited by Ambry Genetics).